The following is an entry in ClinVar:

NM_024665.7(TBL1XR1):c.1246G>A (p.Ala416Thr)

Gene: TBL1XR1 (TBL1X/Y related 1; minus strand). Cytogenetic location: 3q26.32.
Variant type: single nucleotide variant.
Coding change: c.1246G>A on transcript NM_024665.7 (MANE Select); coding-DNA position 1246, G replaced by A.
Protein change: p.Ala416Thr; replaces alanine 416 with threonine.
Molecular consequence: missense variant.
Genome position (GRCh38, 1-based): chr3:177,034,202, C>T on the plus strand (G>A on the coding strand, the complement: TBL1XR1 is on the minus strand). VCF-style: chr3-177034202-C-T. GRCh37 (hg19) VCF-style: chr3-176751990-C-T.
Other names: c.1246G>A, p.Ala416Thr (NM_001321193.3, NM_001321194.3, NM_001374327.1 and 2 more transcripts); c.985G>A, p.Ala329Thr (NM_001321195.3, NM_001374330.1); short protein forms A329T, A416T.
Identifiers: ClinVar variation 650025 (VCV000650025.8), dbSNP rs1576982573, ClinGen allele CA355554576.
Genomic context (GRCh38, chr3:177,034,202, plus strand): 5'-TTGGAAGTCTGATTTGTAGAAGACTCATAAAAGGAAAAATGAAACAGAAGTATCACCTTG[C>T]TAACATAAGGTTGGCATTTGGATTATTAGTCCCTGGTCCTGTTGGACTCCATTTGATAGT-3'
Protein context (NP_078941.2, residues 406-426): TNNPNANLML[Ala416Thr]SASFDSTVRL

ClinVar aggregate classification (germline): Uncertain significance (1 of 4 stars; one submission).

Conditions:
Pierpont syndrome (PRPTS). Identifiers: Orphanet 487825, MedGen C1865644, MONDO:0011213, OMIM 602342.

Allele frequency attached by ClinVar (database versions not stated): gnomAD 0.00001.
gnomAD v4.1: 1 of 1,601,994 alleles (0.000062%); highest among the groups gnomAD compares: Non-Finnish European, 0.000085%; no homozygotes.

Submission:

Labcorp Genetics (formerly Invitae), Labcorp
Classification: Uncertain significance for Pierpont syndrome. Last evaluated: 2020-03-06. Review status: criteria provided, single submitter. Criteria: Invitae Variant Classification Sherloc (09022015). Collection method: clinical testing. Allele origin: germline.
Comment: This variant has not been reported in the literature in individuals with TBL1XR1-related disease. This variant is not present in population databases (ExAC no frequency). This sequence change replaces alanine with threonine at codon 416 of the TBL1XR1 protein (p.Ala416Thr). The alanine residue is highly conserved and there is a small physicochemical difference between alanine and threonine. Algorithms developed to predict the effect of missense changes on protein structure and function are either unavailable or do not agree on the potential impact of this missense change (SIFT: "Deleterious"; PolyPhen-2: "Possibly Damaging"; Align-GVGD: "Class C0"). In summary, the available evidence is currently insufficient to determine the role of this variant in disease. Therefore, it has been classified as a Variant of Uncertain Significance.